The following is an entry in ClinVar:

NM_001271.4(CHD2):c.2339A>T (p.Gln780Leu)

Gene: CHD2 (chromodomain helicase DNA binding protein 2; plus strand). Cytogenetic location: 15q26.1.
Variant type: single nucleotide variant.
Coding change: c.2339A>T on transcript NM_001271.4 (MANE Select); coding-DNA position 2339, A replaced by T.
Protein change: p.Gln780Leu; replaces glutamine 780 with leucine.
Molecular consequence: missense variant.
Genome position (GRCh38, 1-based): chr15:92,971,914, A>T. VCF-style: chr15-92971914-A-T. GRCh37 (hg19) VCF-style: chr15-93515144-A-T.
Other names: short protein forms Q780L.
Identifiers: ClinVar variation 1308363 (VCV001308363.2), dbSNP rs2053846412, ClinGen allele CA393893069.

ClinVar aggregate classification (germline): Uncertain significance (1 of 4 stars; one submission).

Submission:

GeneDx
Classification: Uncertain significance. Last evaluated: 2019-01-25. Review status: criteria provided, single submitter. Criteria: GeneDx Variant Classification Process June 2021. Collection method: clinical testing. Allele origin: germline. Affected: yes.
Comment: Not observed in large population cohorts (Lek et al., 2016); In silico analysis, which includes protein predictors and evolutionary conservation, supports a deleterious effect; Has not been previously published as pathogenic or benign to our knowledge